The following is an entry in ClinVar:

ClinVar aggregate classification (germline): not provided (0 of 4 stars; one submission).

Conditions:
Familial long QT syndrome (RWS). Also called: Congenital long QT syndrome; Romano-Ward syndrome; VENTRICULAR FIBRILLATION WITH PROLONGED QT INTERVAL. Identifiers: Orphanet 768, MedGen C1141890, MONDO:0019171.

Submission:

Cardiovascular Biomedical Research Unit, Royal Brompton & Harefield NHS Foundation Trust
No classification provided. Condition: Familial long QT syndrome. Review status: no classification provided. Collection method: literature only. Allele origin: germline.
Comment: This variant has been reported as associated with Long QT syndrome in the following publications (PMID:15178757;PMID:16253912). This is a literature report, and does not necessarily reflect the clinical interpretation of the Imperial College / Royal Brompton Cardiovascular Genetics laboratory.

Literature cited by the submitters: PubMed 15178757; PubMed 16253912; PubMed 22581653.

NM_001148.6(ANK2):c.4963C>A (p.Leu1655Met)

Gene: ANK2 (ankyrin 2; plus strand). Cytogenetic location: 4q26.
Variant type: single nucleotide variant.
Coding change: c.4963C>A on transcript NM_001148.6 (MANE Select); coding-DNA position 4963, C replaced by A.
Protein change: p.Leu1655Met; replaces leucine 1655 with methionine.
Molecular consequence: missense variant. On other transcripts: intron variant (68).
Genome position (GRCh38, 1-based): chr4:113,353,581, C>A. VCF-style: chr4-113353581-C-A. GRCh37 (hg19) VCF-style: chr4-114274737-C-A.
Other names: c.4963C>A (LRG_327t1); c.4270+3332C>A (NM_001386160.1); c.4375+3332C>A (NM_001354254.2); c.4396+3332C>A (NM_001354239.2, NM_001354252.2); c.4297+3332C>A (NM_001354272.2); c.4360+3332C>A (NM_001354244.2, NM_001354256.2, NM_001386161.1); c.4399+3332C>A (NM_001127493.3); c.4363+3332C>A (NM_001386143.1, NM_001354243.2, NM_001354255.2); and 36 more; short protein forms L1655M, L1577M, L1694M, L1702M, L455M.
Identifiers: ClinVar variation 67607 (VCV000067607.1), dbSNP rs199473343, ClinGen allele CA329745.
Genomic context (GRCh38, chr4:113,353,581, plus strand): 5'-GGGCTAGTGAACTACCTTACTGATGATCTGAATACCTGTGTGCCTCTTCCCAAAGAGCAG[C>A]TGCAGACAGTTCAAGATAAGGCAGGGAAGAAATGTGAGGCTCTGGCTGTTGGCAGGAGCT-3'
Protein context (NP_001139.3, residues 1645-1665): NTCVPLPKEQ[Leu1655Met]QTVQDKAGKK